The following is an entry in ClinVar:

NM_032575.3(GLIS2):c.523-2A>G

Gene: GLIS2 (GLIS family zinc finger 2; plus strand). Cytogenetic location: 16p13.3.
Variant type: single nucleotide variant.
Coding change: c.523-2A>G on transcript NM_032575.3 (MANE Select); the canonical splice acceptor site of the intron before coding-DNA position 523, A replaced by G.
Molecular consequence: splice acceptor variant.
Genome position (GRCh38, 1-based): chr16:4,335,058, A>G. VCF-style: chr16-4335058-A-G. GRCh37 (hg19) VCF-style: chr16-4385059-A-G.
Other names: c.523-2A>G (NM_001318918.2).
Identifiers: ClinVar variation 3100263 (VCV003100263.1), dbSNP rs2505610721, ClinGen allele CA394595482.

ClinVar aggregate classification (germline): Uncertain significance (1 of 4 stars; one submission).

Allele frequency attached by ClinVar (database versions not stated): gnomAD exomes below 0.00001.
gnomAD v4.1: 1 of 1,613,430 alleles (0.000062%); highest among the groups gnomAD compares: South Asian, 0.0011%; no homozygotes.

Submission:

Ambry Genetics
Classification: Uncertain significance. Last evaluated: 2024-01-24. Review status: criteria provided, single submitter. Criteria: Ambry Variant Classification Scheme 2023. Collection method: clinical testing. Allele origin: germline.
Comment: Does not currently meet published gene-disease clinical validity criteria Based on insufficient or conflicting evidence, the clinical significance of this alteration remains unclear.

Literature cited by the submitters: PubMed 28106320.